The following is an entry in ClinVar:

ClinVar aggregate classification (germline): Uncertain significance. Review status: criteria provided, multiple submitters, no conflicts (2 of 4 stars). 2 submissions from 2 submitters: Uncertain significance (2). Last evaluated 2022-09-01.

Allele frequency attached by ClinVar (database versions not stated): gnomAD exomes 0.00012; ExAC 0.00014; gnomAD 0.00023 and 0.00024; TOPMed 0.00025; 1000 Genomes Project 30x 0.00031; ESP Exome Variant Server 0.00038; 1000 Genomes Project 0.00040.
gnomAD v4.1: 103 of 1,595,198 alleles (0.0065%); highest among the groups gnomAD compares: African/African-American, 0.06%; no homozygotes.

Submissions (2):

Labcorp Genetics (formerly Invitae), Labcorp
Classification: Uncertain significance. Last evaluated: 2022-09-01. Review status: criteria provided, single submitter. Criteria: Invitae Variant Classification Sherloc (09022015). Collection method: clinical testing. Allele origin: germline.
Comment: This sequence change replaces threonine, which is neutral and polar, with methionine, which is neutral and non-polar, at codon 298 of the ZNF341 protein (p.Thr298Met). This variant is present in population databases (rs147263134, gnomAD 0.06%). This variant has not been reported in the literature in individuals affected with ZNF341-related conditions. ClinVar contains an entry for this variant (Variation ID: 1392833). Algorithms developed to predict the effect of missense changes on protein structure and function output the following: SIFT: "Tolerated"; PolyPhen-2: "Benign"; Align-GVGD: "Class C0". The methionine amino acid residue is found in multiple mammalian species, which suggests that this missense change does not adversely affect protein function. In summary, the available evidence is currently insufficient to determine the role of this variant in disease. Therefore, it has been classified as a Variant of Uncertain Significance.

Breakthrough Genomics
Classification: Uncertain significance. Review status: criteria provided, single submitter. Criteria: ACMG Guidelines, 2015. Collection method: not provided. Allele origin: germline. Inheritance: Autosomal dominant inheritance. Affected: yes.

NM_001282933.2(ZNF341):c.893C>T (p.Thr298Met)

Gene: ZNF341 (zinc finger protein 341; plus strand). Cytogenetic location: 20q11.22.
Variant type: single nucleotide variant.
Coding change: c.893C>T on transcript NM_001282933.2 (MANE Select); coding-DNA position 893, C replaced by T.
Protein change: p.Thr298Met; replaces threonine 298 with methionine.
Molecular consequence: missense variant. On other transcripts: non-coding transcript variant (1).
Genome position (GRCh38, 1-based): chr20:33,757,299, C>T. VCF-style: chr20-33757299-C-T. GRCh37 (hg19) VCF-style: chr20-32345105-C-T.
Other names: c.623C>T, p.Thr208Met (NM_001282935.2); c.893C>T, p.Thr298Met (NM_032819.5); short protein forms T208M, T298M.
Identifiers: ClinVar variation 1392833 (VCV001392833.4), dbSNP rs147263134, ClinGen allele CA9819298.